The following is an entry in ClinVar:

ClinVar aggregate classification (germline): Uncertain significance (1 of 4 stars; one submission).

Conditions:
Myofibrillar myopathy 5. Also called: FILAMINOPATHY, AUTOSOMAL DOMINANT; Filaminopathy (type). Identifiers: Orphanet 171445, MedGen C1836050, MONDO:0012289, OMIM 609524.
Distal myopathy with posterior leg and anterior hand involvement. Also called: WILLIAMS DISTAL MYOPATHY. Identifiers: Orphanet 63273, MedGen C3279722, MONDO:0013550, OMIM 614065.
Hypertrophic cardiomyopathy 26. Also called: Cardiomyopathy, familial hypertrophic, 26. Identifiers: Orphanet 75249, MedGen C4310749, MONDO:0014883, OMIM 617047.

Submission:

Labcorp Genetics (formerly Invitae), Labcorp
Classification: Uncertain significance for Distal myopathy with posterior leg and anterior hand involvement; Myofibrillar myopathy 5; Hypertrophic cardiomyopathy 26. Last evaluated: 2025-05-22. Review status: criteria provided, single submitter. Criteria: Invitae Variant Classification Sherloc (09022015). Collection method: clinical testing. Allele origin: germline.
Comment: This sequence change replaces glutamine, which is neutral and polar, with arginine, which is basic and polar, at codon 2248 of the FLNC protein (p.Gln2248Arg). This variant is not present in population databases (gnomAD no frequency). This variant has not been reported in the literature in individuals affected with FLNC-related conditions. Invitae Evidence Modeling of protein sequence and biophysical properties (such as structural, functional, and spatial information, amino acid conservation, physicochemical variation, residue mobility, and thermodynamic stability) indicates that this missense variant is not expected to disrupt FLNC protein function with a negative predictive value of 80%. In summary, the available evidence is currently insufficient to determine the role of this variant in disease. Therefore, it has been classified as a Variant of Uncertain Significance.

NM_001458.5(FLNC):c.6743A>G (p.Gln2248Arg)

Genes: FLNC-AS1 (FLNC antisense RNA 1; minus strand), FLNC (filamin C; plus strand). Cytogenetic location: 7q32.1.
Variant type: single nucleotide variant.
Coding change: c.6743A>G on transcript NM_001458.5 (MANE Select); coding-DNA position 6743, A replaced by G.
Protein change: p.Gln2248Arg; replaces glutamine 2248 with arginine.
Molecular consequence: missense variant.
Genome position (GRCh38, 1-based): chr7:128,854,428, A>G. VCF-style: chr7-128854428-A-G. GRCh37 (hg19) VCF-style: chr7-128494482-A-G.
Other names: c.6644A>G, p.Gln2215Arg (NM_001127487.2); short protein forms Q2215R, Q2248R.
Identifiers: ClinVar variation 4812370 (VCV004812370.1).